The following is an entry in ClinVar:

NM_000384.3(APOB):c.3773T>C (p.Leu1258Pro)

Gene: APOB (apolipoprotein B; minus strand). Cytogenetic location: 2p24.1.
Variant type: single nucleotide variant.
Coding change: c.3773T>C on transcript NM_000384.3 (MANE Select); coding-DNA position 3773, T replaced by C.
Protein change: p.Leu1258Pro; replaces leucine 1258 with proline.
Molecular consequence: missense variant.
Genome position (GRCh38, 1-based): chr2:21,014,517, A>G on the plus strand (T>C on the coding strand, the complement: APOB is on the minus strand). VCF-style: chr2-21014517-A-G. GRCh37 (hg19) VCF-style: chr2-21237389-A-G.
Other names: c.3773T>C (NM_000384.2); short protein forms L1258P.
Identifiers: ClinVar variation 4885379 (VCV004885379.3).
Genomic context (GRCh38, chr2:21,014,517, plus strand): 5'-AAGAGGTTTTCTGGGATGTGGAAGTCTGGCAATCCCATGTTCTGGAGGTTGAACTCCTTC[A>G]GGCTATTGAGGTGGTCTTGCAAAGTCTGGGTATAAGGAAGACTCCCAGATGCCTTCTGAA-3'
Protein context (NP_000375.3, residues 1248-1268): TQTLQDHLNS[Leu1258Pro]KEFNLQNMGL

ClinVar aggregate classification (germline): Uncertain significance. Review status: criteria provided, multiple submitters, no conflicts (2 of 4 stars). 2 submissions from 2 submitters: Uncertain significance (2). Last evaluated 2026-08-10.

Conditions:
Cardiovascular phenotype. Identifiers: MedGen CN230736.

gnomAD v4.1: 1 of 1,614,072 alleles (0.000062%); highest among the groups gnomAD compares: Non-Finnish European, 0.000085%; no homozygotes.

Submissions (2):

Ambry Genetics
Classification: Uncertain significance for Cardiovascular phenotype. Last evaluated: 2026-08-10. Review status: criteria provided, single submitter. Criteria: Ambry Variant Classification Scheme 2023. Collection method: clinical testing. Allele origin: germline.
Comment: The p.L1258P variant (also known as c.3773T>C), located in coding exon 24 of the APOB gene, results from a T to C substitution at nucleotide position 3773. The leucine at codon 1258 is replaced by proline, an amino acid with similar properties. This amino acid position is conserved. In addition, the in silico prediction for this alteration is inconclusive. Based on the available evidence, the clinical significance of this variant remains unclear.

Dasa
Classification: Uncertain significance. Last evaluated: 2025-04-01. Review status: criteria provided, single submitter. Criteria: DASA Assertion Criteria. Collection method: clinical testing. Allele origin: germline.
Comment: NM_000384.3(APOB):c.3773T>C (p.Leu1258Pro) is a missense variant that results in the substitution of leucine with proline. This variant is rare in population databases. Computational prediction algorithms are consistent with a benign effect. The currently available literature and clinical evidence are not sufficient to establish a definitive association between this variant and the reported condition. Therefore, this variant is classified as a variant of uncertain significance.